The following is an entry in ClinVar:

ClinVar aggregate classification (germline): Uncertain significance (1 of 4 stars; one submission).

Submission:

GeneDx
Classification: Uncertain significance. Last evaluated: 2025-04-14. Review status: criteria provided, single submitter. Criteria: GeneDx Variant Classification Process June 2021. Collection method: clinical testing. Allele origin: germline. Affected: yes.
Comment: In silico analysis supports that this missense variant has a deleterious effect on protein structure/function; Not observed at significant frequency in large population cohorts (gnomAD); This variant is associated with the following publications: (PMID: 1714909, 28179282, Katsumura2024[abstract], 22237106, 31785092, 32286542, 35753998, 33690840, 36809258, 32205587, 31106410, 34387894, 32960960, 30301799, 38422019, 30707109, 37837580)

NM_032638.5(GATA2):c.919C>T (p.Arg307Trp)

Gene: GATA2 (GATA binding protein 2; minus strand). Cytogenetic location: 3q21.3.
Variant type: single nucleotide variant.
Coding change: c.919C>T on transcript NM_032638.5 (MANE Select); coding-DNA position 919, C replaced by T.
Protein change: p.Arg307Trp; replaces arginine 307 with tryptophan.
Molecular consequence: missense variant.
Genome position (GRCh38, 1-based): chr3:128,483,958, G>A on the plus strand (C>T on the coding strand, the complement: GATA2 is on the minus strand). VCF-style: chr3-128483958-G-A. GRCh37 (hg19) VCF-style: chr3-128202801-G-A.
Other names: c.919C>T, p.Arg307Trp (NM_001145661.2, NM_001145662.1); short protein forms R307W.
Identifiers: ClinVar variation 4281864 (VCV004281864.1).